The following is an entry in ClinVar:

ClinVar aggregate classification (germline): Uncertain significance (1 of 4 stars; one submission).

Conditions:
Hypertrophic cardiomyopathy 14. Identifiers: MedGen C2750467, MONDO:0013197, OMIM 613251.

Allele frequency attached by ClinVar (database versions not stated): gnomAD exomes below 0.00001; TOPMed below 0.00001.
gnomAD v4.1: 2 of 1,614,216 alleles (0.00012%); highest among the groups gnomAD compares: Non-Finnish European, 0.00017%; no homozygotes.

Submission:

Labcorp Genetics (formerly Invitae), Labcorp
Classification: Uncertain significance for Hypertrophic cardiomyopathy 14. Last evaluated: 2021-04-12. Review status: criteria provided, single submitter. Criteria: Invitae Variant Classification Sherloc (09022015). Collection method: clinical testing. Allele origin: germline.
Comment: In summary, the available evidence is currently insufficient to determine the role of this variant in disease. Therefore, it has been classified as a Variant of Uncertain Significance. Algorithms developed to predict the effect of missense changes on protein structure and function do not agree on the potential impact of this missense change (SIFT: "Deleterious"; PolyPhen-2: "Possibly Damaging"; Align-GVGD: "Class C0"). This variant has not been reported in the literature in individuals with MYH6-related disease. This variant is not present in population databases (ExAC no frequency). This sequence change replaces threonine with isoleucine at codon 413 of the MYH6 protein (p.Thr413Ile). The threonine residue is weakly conserved and there is a moderate physicochemical difference between threonine and isoleucine.

NM_002471.4(MYH6):c.1238C>T (p.Thr413Ile)

Gene: MYH6 (myosin heavy chain 6; minus strand). Cytogenetic location: 14q11.2.
Variant type: single nucleotide variant.
Coding change: c.1238C>T on transcript NM_002471.4 (MANE Select); coding-DNA position 1238, C replaced by T.
Protein change: p.Thr413Ile; replaces threonine 413 with isoleucine.
Molecular consequence: missense variant.
Genome position (GRCh38, 1-based): chr14:23,400,881, G>A on the plus strand (C>T on the coding strand, the complement: MYH6 is on the minus strand). VCF-style: chr14-23400881-G-A. GRCh37 (hg19) VCF-style: chr14-23870090-G-A.
Other names: short protein forms T413I.
Identifiers: ClinVar variation 572372 (VCV000572372.8), dbSNP rs1566513991, ClinGen allele CA389024163.